The following is an entry in ClinVar:

ClinVar aggregate classification (germline): Likely benign (1 of 4 stars; one submission).

Submission:

CeGaT Center for Human Genetics Tuebingen
Classification: Likely benign. Last evaluated: 2024-08-01. Review status: criteria provided, single submitter. Criteria: CeGaT Center For Human Genetics Tuebingen Variant Classification Criteria Version 2. Collection method: clinical testing. Allele origin: germline. Affected: yes. Observed: 1 variant allele.
Comment: NBEA: BP4

NM_001385012.1(NBEA):c.4015A>G (p.Met1339Val)

Gene: NBEA (neurobeachin; plus strand). Cytogenetic location: 13q13.3.
Variant type: single nucleotide variant.
Coding change: c.4015A>G on transcript NM_001385012.1 (MANE Select); coding-DNA position 4015, A replaced by G.
Protein change: p.Met1339Val; replaces methionine 1339 with valine.
Molecular consequence: missense variant.
Genome position (GRCh38, 1-based): chr13:35,161,903, A>G. VCF-style: chr13-35161903-A-G. GRCh37 (hg19) VCF-style: chr13-35736040-A-G.
Other names: c.4015A>G, p.Met1339Val (NM_001379245.1, NM_015678.5); short protein forms M1339V.
Identifiers: ClinVar variation 3341847 (VCV003341847.16).
Genomic context (GRCh38, chr13:35,161,903, plus strand): 5'-CAGTTTAGCCCAGGTCCACGGACTACAATGTTTCGTATTCCTGAGTTTAAATGGTCTCCA[A>G]TGCACCAGCGGCTTCTCACTGATTTACTATTTGCATTAGAAACTGATGTACATGTTTGGA-3'
Protein context (NP_001371941.1, residues 1329-1349): FRIPEFKWSP[Met1339Val]HQRLLTDLLF